The following is an entry in ClinVar:

NM_024580.6(EFL1):c.2464C>A (p.Gln822Lys)

Gene: EFL1 (elongation factor like GTPase 1; minus strand). Cytogenetic location: 15q25.2.
Variant type: single nucleotide variant.
Coding change: c.2464C>A on transcript NM_024580.6 (MANE Select); coding-DNA position 2464, C replaced by A.
Protein change: p.Gln822Lys; replaces glutamine 822 with lysine.
Molecular consequence: missense variant. On other transcripts: non-coding transcript variant (1).
Genome position (GRCh38, 1-based): chr15:82,151,990, G>T on the plus strand (C>A on the coding strand, the complement: EFL1 is on the minus strand). VCF-style: chr15-82151990-G-T. GRCh37 (hg19) VCF-style: chr15-82444331-G-T.
Other names: c.2311C>A, p.Gln771Lys (NM_001040610.3); c.1675C>A, p.Gln559Lys (NM_001322844.2); c.2464C>A, p.Gln822Lys (NM_001322845.2); short protein forms Q559K, Q822K, Q771K.
Identifiers: ClinVar variation 1370005 (VCV001370005.7), dbSNP rs750191260, ClinGen allele CA7697746.

ClinVar aggregate classification (germline): Uncertain significance (1 of 4 stars; one submission).

gnomAD v4.1: 8 of 1,613,922 alleles (0.0005%); highest among the groups gnomAD compares: African/African-American, 0.0013%; 1 homozygote.

Submission:

Labcorp Genetics (formerly Invitae), Labcorp
Classification: Uncertain significance. Last evaluated: 2022-06-27. Review status: criteria provided, single submitter. Criteria: Invitae Variant Classification Sherloc (09022015). Collection method: clinical testing. Allele origin: germline.
Comment: This sequence change replaces glutamine, which is neutral and polar, with lysine, which is basic and polar, at codon 822 of the EFL1 protein (p.Gln822Lys). This variant is present in population databases (rs750191260, gnomAD 0.002%). This variant has not been reported in the literature in individuals affected with EFL1-related conditions. Algorithms developed to predict the effect of missense changes on protein structure and function are either unavailable or do not agree on the potential impact of this missense change (SIFT: "Tolerated"; PolyPhen-2: "Not Available"; Align-GVGD: "Class C0"). In summary, the available evidence is currently insufficient to determine the role of this variant in disease. Therefore, it has been classified as a Variant of Uncertain Significance.